The following is an entry in ClinVar:

NM_000642.3(AGL):c.3746A>T (p.Tyr1249Phe)

Gene: AGL (amylo-alpha-1,6-glucosidase and 4-alpha-glucanotransferase; plus strand). Cytogenetic location: 1p21.2.
Variant type: single nucleotide variant.
Coding change: c.3746A>T on transcript NM_000642.3 (MANE Select); coding-DNA position 3746, A replaced by T.
Protein change: p.Tyr1249Phe; replaces tyrosine 1249 with phenylalanine.
Molecular consequence: missense variant.
Genome position (GRCh38, 1-based): chr1:99,910,757, A>T. VCF-style: chr1-99910757-A-T. GRCh37 (hg19) VCF-style: chr1-100376313-A-T.
Other names: c.3746A>T, p.Tyr1249Phe (NM_000028.3, NM_000643.3, NM_000644.3 and 1 more transcripts); c.3698A>T, p.Tyr1233Phe (NM_000646.3); c.3725A>T, p.Tyr1242Phe (NM_001425326.1); c.3545A>T, p.Tyr1182Phe (NM_001425327.1); c.3542A>T, p.Tyr1181Phe (NM_001425328.1); c.3407A>T, p.Tyr1136Phe (NM_001425329.1); c.3368A>T, p.Tyr1123Phe (NM_001425332.1); short protein forms Y1249F, Y1233F, Y1123F, Y1136F, Y1181F, Y1182F, Y1242F.
Identifiers: ClinVar variation 580111 (VCV000580111.12), dbSNP rs1198709856, ClinGen allele CA341337572.
Genomic context (GRCh38, chr1:99,910,757, plus strand): 5'-CATTTTGTTTTTTAGGTTTTAATATAACTGCAGGAGTTGATGAAGAAACAGGATTTGTTT[A>T]TGGAGGAAATCGTTTCAATTGTGGCACATGGATGGATAAAATGGGAGAAAGTGACAGAGC-3'
Protein context (NP_000633.2, residues 1239-1259): AGVDEETGFV[Tyr1249Phe]GGNRFNCGTW

ClinVar aggregate classification (germline): Uncertain significance. Review status: criteria provided, single submitter (1 of 4 stars). 2 submissions from 2 submitters: Uncertain significance (1). 1 of the submissions does not count toward it. Last evaluated 2022-04-05.

Conditions:
Glycogen storage disease type III (GSD3). Also called: Cori disease; FORBES DISEASE. Identifiers: Orphanet 366, MedGen C0017922, MONDO:0009291, OMIM 232400.

Allele frequency attached by ClinVar (database versions not stated): gnomAD 0.00001; gnomAD exomes 0.00001; TOPMed 0.00001.
gnomAD v4.1: 10 of 1,611,918 alleles (0.00062%); highest among the groups gnomAD compares: Non-Finnish European, 0.00085%; no homozygotes.

Submissions (2):

Labcorp Genetics (formerly Invitae), Labcorp
Classification: Uncertain significance for Glycogen storage disease type III. Last evaluated: 2022-04-05. Review status: criteria provided, single submitter. Criteria: Invitae Variant Classification Sherloc (09022015). Collection method: clinical testing. Allele origin: germline.
Comment: This sequence change replaces tyrosine, which is neutral and polar, with phenylalanine, which is neutral and non-polar, at codon 1249 of the AGL protein (p.Tyr1249Phe). This variant is present in population databases (no rsID available, gnomAD 0.007%). This variant has not been reported in the literature in individuals affected with AGL-related conditions. ClinVar contains an entry for this variant (Variation ID: 580111). Algorithms developed to predict the effect of missense changes on protein structure and function output the following: SIFT: "Tolerated"; PolyPhen-2: "Benign"; Align-GVGD: "Class C0". The phenylalanine amino acid residue is found in multiple mammalian species, which suggests that this missense change does not adversely affect protein function. In summary, the available evidence is currently insufficient to determine the role of this variant in disease. Therefore, it has been classified as a Variant of Uncertain Significance.

Natera, Inc.
Classification: Uncertain significance for Glycogen storage disease type III. Last evaluated: 2021-02-09. Review status: no assertion criteria provided. Collection method: clinical testing. Allele origin: germline. Not counted in ClinVar's aggregate classification.